The following is an entry in ClinVar:

NM_001206979.2(NR1H4):c.521A>G (p.Tyr174Cys)

Gene: NR1H4 (nuclear receptor subfamily 1 group H member 4; plus strand). Cytogenetic location: 12q23.1.
Variant type: single nucleotide variant.
Coding change: c.521A>G on transcript NM_001206979.2 (MANE Select); coding-DNA position 521, A replaced by G.
Protein change: p.Tyr174Cys; replaces tyrosine 174 with cysteine.
Molecular consequence: missense variant. On other transcripts: non-coding transcript variant (1), intron variant (1).
Genome position (GRCh38, 1-based): chr12:100,532,533, A>G. VCF-style: chr12-100532533-A-G. GRCh37 (hg19) VCF-style: chr12-100926311-A-G.
Other names: c.521A>G, p.Tyr174Cys (NM_001206977.2, NM_005123.4); c.551A>G, p.Tyr184Cys (NM_001206992.2, NM_001206993.2); c.446-2357A>G (NM_001206978.2); short protein forms Y174C, Y184C.
Identifiers: ClinVar variation 3899390 (VCV003899390.1).

ClinVar aggregate classification (germline): Uncertain significance (1 of 4 stars; one submission).

Conditions:
Cholestasis, progressive familial intrahepatic, 5 (PFIC5). Identifiers: Orphanet 480476, MedGen C4310747, MONDO:0014884, OMIM 617049.

Submission:

Department of Human Genetics, Hannover Medical School
Classification: Uncertain significance for Cholestasis, progressive familial intrahepatic, 5. Last evaluated: 2025-05-20. Review status: criteria provided, single submitter. Criteria: ACMG Guidelines, 2015. Collection method: clinical testing. Allele origin: germline. Inheritance: Autosomal recessive inheritance. Affected: yes.
Comment: ACMG: PM2_Supporting, PP3_Strong